The following is an entry in ClinVar:

NM_004385.5(VCAN):c.3769C>T (p.His1257Tyr)

Gene: VCAN (versican; plus strand). Cytogenetic location: 5q14.3.
Variant type: single nucleotide variant.
Coding change: c.3769C>T on transcript NM_004385.5 (MANE Select); coding-DNA position 3769, C replaced by T.
Protein change: p.His1257Tyr; replaces histidine 1257 with tyrosine.
Molecular consequence: missense variant. On other transcripts: intron variant (2).
Genome position (GRCh38, 1-based): chr5:83,522,075, C>T. VCF-style: chr5-83522075-C-T. GRCh37 (hg19) VCF-style: chr5-82817894-C-T.
Other names: c.3769C>T, p.His1257Tyr (NM_001164098.2); c.1042+9679C>T (NM_001164097.2, NM_001126336.3); short protein forms H1257Y.
Identifiers: ClinVar variation 1044012 (VCV001044012.10), dbSNP rs1746129369, ClinGen allele CA360306773.

ClinVar aggregate classification (germline): Uncertain significance (1 of 4 stars; one submission).

Allele frequency attached by ClinVar (database versions not stated): gnomAD exomes below 0.00001; TOPMed 0.00001.
gnomAD v4.1: 1 of 1,614,204 alleles (0.000062%); highest among the groups gnomAD compares: Non-Finnish European, 0.000085%; no homozygotes.

Submission:

Labcorp Genetics (formerly Invitae), Labcorp
Classification: Uncertain significance. Last evaluated: 2022-06-13. Review status: criteria provided, single submitter. Criteria: Invitae Variant Classification Sherloc (09022015). Collection method: clinical testing. Allele origin: germline.
Comment: Algorithms developed to predict the effect of missense changes on protein structure and function are either unavailable or do not agree on the potential impact of this missense change (SIFT: "Deleterious"; PolyPhen-2: "Benign"; Align-GVGD: "Class C15"). In summary, the available evidence is currently insufficient to determine the role of this variant in disease. Therefore, it has been classified as a Variant of Uncertain Significance. ClinVar contains an entry for this variant (Variation ID: 1044012). This variant has not been reported in the literature in individuals affected with VCAN-related conditions. This variant is not present in population databases (gnomAD no frequency). This sequence change replaces histidine, which is basic and polar, with tyrosine, which is neutral and polar, at codon 1257 of the VCAN protein (p.His1257Tyr).